The following is an entry in ClinVar:

NM_000751.3(CHRND):c.1451G>A (p.Gly484Asp)

Gene: CHRND (cholinergic receptor nicotinic delta subunit; plus strand). Cytogenetic location: 2q37.1.
Variant type: single nucleotide variant.
Coding change: c.1451G>A on transcript NM_000751.3 (MANE Select); coding-DNA position 1451, G replaced by A.
Protein change: p.Gly484Asp; replaces glycine 484 with aspartic acid.
Molecular consequence: missense variant.
Genome position (GRCh38, 1-based): chr2:232,535,209, G>A. VCF-style: chr2-232535209-G-A. GRCh37 (hg19) VCF-style: chr2-233399919-G-A.
Other names: c.1406G>A, p.Gly469Asp (NM_001256657.2); c.869G>A, p.Gly290Asp (NM_001311195.2); c.1148G>A, p.Gly383Asp (NM_001311196.2); short protein forms G484D, G290D, G383D, G469D.
Identifiers: ClinVar variation 4705265 (VCV004705265.1).
Genomic context (GRCh38, chr2:232,535,209, plus strand): 5'-GAGTGGCCCGCACAGTGGACCGCCTCTGCCTGTTTGTGGTGACGCCTGTCATGGTGGTGG[G>A]CACAGCCTGGATCTTCCTGCAGGGCGTTTACAACCAGCCACCACCCCAGCCTTTTCCTGG-3'
Protein context (NP_000742.1, residues 474-494): LFVVTPVMVV[Gly484Asp]TAWIFLQGVY

ClinVar aggregate classification (germline): Uncertain significance (1 of 4 stars; one submission).

Conditions:
Lethal multiple pterygium syndrome (LMPS). Identifiers: Orphanet 33108, MedGen C1854678, MONDO:0009668, OMIM 253290.

Submission:

Labcorp Genetics (formerly Invitae), Labcorp
Classification: Uncertain significance for Lethal multiple pterygium syndrome. Last evaluated: 2025-11-09. Review status: criteria provided, single submitter. Criteria: Invitae Variant Classification Sherloc (09022015). Collection method: clinical testing. Allele origin: germline.
Comment: This sequence change replaces glycine, which is neutral and non-polar, with aspartic acid, which is acidic and polar, at codon 484 of the CHRND protein (p.Gly484Asp). This variant is not present in population databases (gnomAD no frequency). This variant has not been reported in the literature in individuals affected with CHRND-related conditions. Invitae Evidence Modeling of protein sequence and biophysical properties (such as structural, functional, and spatial information, amino acid conservation, physicochemical variation, residue mobility, and thermodynamic stability) indicates that this missense variant is expected to disrupt CHRND protein function with a positive predictive value of 95%. In summary, the available evidence is currently insufficient to determine the role of this variant in disease. Therefore, it has been classified as a Variant of Uncertain Significance.